The following is an entry in ClinVar:

ClinVar aggregate classification (germline): Uncertain significance (1 of 4 stars; one submission).

Conditions:
Deficiency of aromatic-L-amino-acid decarboxylase. Also called: DDC DEFICIENCY; DOPA DECARBOXYLASE DEFICIENCY; Aromatic L-Amino Acid Decarboxylase Deficiency; AADC DEFICIENCY; Aromatic amino acid decarboxylase deficiency. Identifiers: Orphanet 35708, MedGen C1291564, MONDO:0012084, OMIM 608643.

Allele frequency attached by ClinVar (database versions not stated): gnomAD exomes below 0.00001; gnomAD 0.00001; TOPMed 0.00001.
gnomAD v4.1: 2 of 1,612,336 alleles (0.00012%); highest among the groups gnomAD compares: Admixed American, 0.0017%; no homozygotes.

Submission:

Labcorp Genetics (formerly Invitae), Labcorp
Classification: Uncertain significance for Deficiency of aromatic-L-amino-acid decarboxylase. Last evaluated: 2022-06-10. Review status: criteria provided, single submitter. Criteria: Invitae Variant Classification Sherloc (09022015). Collection method: clinical testing. Allele origin: germline.
Comment: In summary, the available evidence is currently insufficient to determine the role of this variant in disease. Therefore, it has been classified as a Variant of Uncertain Significance. Algorithms developed to predict the effect of missense changes on protein structure and function are either unavailable or do not agree on the potential impact of this missense change (SIFT: "Deleterious"; PolyPhen-2: "Probably Damaging"; Align-GVGD: "Class C0"). This variant has not been reported in the literature in individuals affected with DDC-related conditions. This variant is not present in population databases (gnomAD no frequency). This sequence change replaces proline, which is neutral and non-polar, with leucine, which is neutral and non-polar, at codon 259 of the DDC protein (p.Pro259Leu).

NM_001082971.2(DDC):c.776C>T (p.Pro259Leu)

Gene: DDC (dopa decarboxylase; minus strand). Cytogenetic location: 7p12.1.
Variant type: single nucleotide variant.
Coding change: c.776C>T on transcript NM_001082971.2 (MANE Select); coding-DNA position 776, C replaced by T.
Protein change: p.Pro259Leu; replaces proline 259 with leucine.
Molecular consequence: missense variant.
Genome position (GRCh38, 1-based): chr7:50,503,998, G>A on the plus strand (C>T on the coding strand, the complement: DDC is on the minus strand). VCF-style: chr7-50503998-G-A. GRCh37 (hg19) VCF-style: chr7-50571696-G-A.
Other names: c.776C>T, p.Pro259Leu (NM_000790.4, NM_001242890.2); c.662C>T, p.Pro221Leu (NM_001242886.2); c.632C>T, p.Pro211Leu (NM_001242887.2); c.542C>T, p.Pro181Leu (NM_001242888.2); c.497C>T, p.Pro166Leu (NM_001242889.2); short protein forms P211L, P221L, P259L, P166L, P181L.
Identifiers: ClinVar variation 1987283 (VCV001987283.4), dbSNP rs1295940242, ClinGen allele CA367538879.